The following is an entry in ClinVar:

ClinVar aggregate classification (germline): Uncertain significance. Review status: criteria provided, multiple submitters, no conflicts (2 of 4 stars). 2 submissions from 2 submitters: Uncertain significance (2). Last evaluated 2025-12-15.

Conditions:
Inborn genetic diseases. Identifiers: MedGen C0950123, MeSH D030342.

Allele frequency attached by ClinVar (database versions not stated): gnomAD 0.00001 and 0.00002; ExAC 0.00004; gnomAD exomes 0.00004; TOPMed 0.00005; ESP Exome Variant Server 0.00008.
gnomAD v4.1: 35 of 1,614,084 alleles (0.0022%); highest among the groups gnomAD compares: Middle Eastern, 0.016%; no homozygotes.

Submissions (2):

Ambry Genetics
Classification: Uncertain significance for Inborn genetic diseases. Last evaluated: 2025-12-15. Review status: criteria provided, single submitter. Criteria: Ambry Variant Classification Scheme 2023. Collection method: clinical testing. Allele origin: germline.

Labcorp Genetics (formerly Invitae), Labcorp
Classification: Uncertain significance. Last evaluated: 2025-04-23. Review status: criteria provided, single submitter. Criteria: Invitae Variant Classification Sherloc (09022015). Collection method: clinical testing. Allele origin: germline.
Comment: This sequence change replaces serine, which is neutral and polar, with phenylalanine, which is neutral and non-polar, at codon 385 of the LEMD3 protein (p.Ser385Phe). This variant is present in population databases (rs372588607, gnomAD 0.009%). This variant has not been reported in the literature in individuals affected with LEMD3-related conditions. ClinVar contains an entry for this variant (Variation ID: 1021128). Invitae Evidence Modeling of protein sequence and biophysical properties (such as structural, functional, and spatial information, amino acid conservation, physicochemical variation, residue mobility, and thermodynamic stability) indicates that this missense variant is not expected to disrupt LEMD3 protein function with a negative predictive value of 80%. In summary, the available evidence is currently insufficient to determine the role of this variant in disease. Therefore, it has been classified as a Variant of Uncertain Significance.

NM_014319.5(LEMD3):c.1154C>T (p.Ser385Phe)

Gene: LEMD3 (LEM domain containing 3; plus strand). Cytogenetic location: 12q14.3.
Variant type: single nucleotide variant.
Coding change: c.1154C>T on transcript NM_014319.5 (MANE Select); coding-DNA position 1154, C replaced by T.
Protein change: p.Ser385Phe; replaces serine 385 with phenylalanine.
Molecular consequence: missense variant.
Genome position (GRCh38, 1-based): chr12:65,170,750, C>T. VCF-style: chr12-65170750-C-T. GRCh37 (hg19) VCF-style: chr12-65564530-C-T.
Other names: c.1154C>T, p.Ser385Phe (NM_001167614.2); c.1154C>T (NM_014319.4); short protein forms S385F.
Identifiers: ClinVar variation 1021128 (VCV001021128.9), dbSNP rs372588607, ClinGen allele CA6670857.